The following is an entry in ClinVar:

NM_002582.4(PARN):c.783+4A>C

Gene: PARN (poly(A)-specific ribonuclease; minus strand). Cytogenetic location: 16p13.12.
Variant type: single nucleotide variant.
Coding change: c.783+4A>C on transcript NM_002582.4 (MANE Select); 4 bases into the intron after coding-DNA position 783, A replaced by C.
Molecular consequence: intron variant.
Genome position (GRCh38, 1-based): chr16:14,604,142, T>G on the plus strand (A>C on the coding strand, the complement: PARN is on the minus strand). VCF-style: chr16-14604142-T-G. GRCh37 (hg19) VCF-style: chr16-14697999-T-G.
Other names: c.600+4A>C (NM_001134477.3); c.645+4A>C (NM_001242992.2).
Identifiers: ClinVar variation 1953766 (VCV001953766.5), dbSNP rs1317955775, ClinGen allele CA621028066.

ClinVar aggregate classification (germline): Uncertain significance (1 of 4 stars; one submission).

Conditions:
Dyskeratosis congenita, autosomal recessive 6 (DKCB6). Identifiers: MedGen C4225356, MONDO:0014600, OMIM 616353.
Pulmonary fibrosis and/or bone marrow failure, Telomere-related, 4. Also called: PULMONARY FIBROSIS AND/OR BONE MARROW FAILURE SYNDROME, TELOMERE-RELATED, 4. Identifiers: Orphanet 2032, MedGen C4225347, MONDO:0014612, OMIM 616371.

Allele frequency attached by ClinVar (database versions not stated): TOPMed below 0.00001.
gnomAD v4.1: 1 of 1,575,384 alleles (0.000063%); highest among the groups gnomAD compares: Admixed American, 0.0017%; no homozygotes.

Submission:

Labcorp Genetics (formerly Invitae), Labcorp
Classification: Uncertain significance for Dyskeratosis congenita, autosomal recessive 6; Pulmonary fibrosis and/or bone marrow failure, Telomere-related, 4. Last evaluated: 2022-03-04. Review status: criteria provided, single submitter. Criteria: Invitae Variant Classification Sherloc (09022015). Collection method: clinical testing. Allele origin: germline.
Comment: In summary, the available evidence is currently insufficient to determine the role of this variant in disease. Therefore, it has been classified as a Variant of Uncertain Significance. Variants that disrupt the consensus splice site are a relatively common cause of aberrant splicing (PMID: 17576681, 9536098). Algorithms developed to predict the effect of sequence changes on RNA splicing suggest that this variant is not likely to affect RNA splicing. This variant has not been reported in the literature in individuals affected with PARN-related conditions. This variant is present in population databases (no rsID available, gnomAD 0.003%). This sequence change falls in intron 11 of the PARN gene. It does not directly change the encoded amino acid sequence of the PARN protein. It affects a nucleotide within the consensus splice site.

Literature cited by the submitters: PubMed 17576681; PubMed 9536098.